The following is an entry in ClinVar:

ClinVar aggregate classification (germline): Uncertain significance (1 of 4 stars; one submission).

gnomAD v4.1: 17 of 1,612,056 alleles (0.0011%); highest among the groups gnomAD compares: East Asian, 0.011%; no homozygotes.

Submission:

Labcorp Genetics (formerly Invitae), Labcorp
Classification: Uncertain significance. Last evaluated: 2025-05-12. Review status: criteria provided, single submitter. Criteria: Invitae Variant Classification Sherloc (09022015). Collection method: clinical testing. Allele origin: germline.
Comment: This sequence change replaces threonine, which is neutral and polar, with methionine, which is neutral and non-polar, at codon 285 of the HNF1A protein (p.Thr285Met). This variant is present in population databases (rs776327501, gnomAD 0.03%). This variant has not been reported in the literature in individuals affected with HNF1A-related conditions. Invitae Evidence Modeling of protein sequence and biophysical properties (such as structural, functional, and spatial information, amino acid conservation, physicochemical variation, residue mobility, and thermodynamic stability) indicates that this missense variant is not expected to disrupt HNF1A protein function with a negative predictive value of 80%. Experimental studies are conflicting or provide insufficient evidence to determine the effect of this variant on HNF1A function (PMID: 27899486). In summary, the available evidence is currently insufficient to determine the role of this variant in disease. Therefore, it has been classified as a Variant of Uncertain Significance.

Literature cited by the submitters: PubMed 27899486.

NM_000545.8(HNF1A):c.854C>T (p.Thr285Met)

Gene: HNF1A (HNF1 homeobox A; plus strand). Cytogenetic location: 12q24.31.
Variant type: single nucleotide variant.
Coding change: c.854C>T on transcript NM_000545.8 (MANE Select); coding-DNA position 854, C replaced by T.
Protein change: p.Thr285Met; replaces threonine 285 with methionine.
Molecular consequence: missense variant.
Genome position (GRCh38, 1-based): chr12:120,994,304, C>T. VCF-style: chr12-120994304-C-T. GRCh37 (hg19) VCF-style: chr12-121432107-C-T.
Other names: c.854C>T, p.Thr285Met (NM_001306179.2, NM_001406915.1); short protein forms T285M.
Identifiers: ClinVar variation 4810387 (VCV004810387.1).